The following is an entry in ClinVar:

NM_001080449.3(DNA2):c.1642G>A (p.Asp548Asn)

Gene: DNA2 (DNA replication helicase/nuclease 2; minus strand). Cytogenetic location: 10q21.3.
Variant type: single nucleotide variant.
Coding change: c.1642G>A on transcript NM_001080449.3 (MANE Select); coding-DNA position 1642, G replaced by A.
Protein change: p.Asp548Asn; replaces aspartic acid 548 with asparagine.
Molecular consequence: missense variant. On other transcripts: non-coding transcript variant (1).
Genome position (GRCh38, 1-based): chr10:68,437,015, C>T on the plus strand (G>A on the coding strand, the complement: DNA2 is on the minus strand). VCF-style: chr10-68437015-C-T. GRCh37 (hg19) VCF-style: chr10-70196772-C-T.
Other names: short protein forms D548N.
Identifiers: ClinVar variation 4736742 (VCV004736742.1).

ClinVar aggregate classification (germline): Uncertain significance (1 of 4 stars; one submission).

gnomAD v4.1: 41 of 1,605,800 alleles (0.0026%); highest among the groups gnomAD compares: Non-Finnish European, 0.0031%; no homozygotes.

Submission:

Labcorp Genetics (formerly Invitae), Labcorp
Classification: Uncertain significance. Last evaluated: 2025-12-23. Review status: criteria provided, single submitter. Criteria: Invitae Variant Classification Sherloc (09022015). Collection method: clinical testing. Allele origin: germline.
Comment: This sequence change replaces aspartic acid, which is acidic and polar, with asparagine, which is neutral and polar, at codon 548 of the DNA2 protein (p.Asp548Asn). This variant is present in population databases (no rsID available, gnomAD 0.002%). This variant has not been reported in the literature in individuals affected with DNA2-related conditions. Invitae Evidence Modeling of protein sequence and biophysical properties (such as structural, functional, and spatial information, amino acid conservation, physicochemical variation, residue mobility, and thermodynamic stability) indicates that this missense variant is not expected to disrupt DNA2 protein function with a negative predictive value of 80%. In summary, the available evidence is currently insufficient to determine the role of this variant in disease. Therefore, it has been classified as a Variant of Uncertain Significance.